The following is an entry in ClinVar:

ClinVar aggregate classification (germline): Likely pathogenic (1 of 4 stars; one submission).

Conditions:
Primary ciliary dyskinesia. Also called: Ciliary dyskinesia. Identifiers: Orphanet 244, MedGen C0008780, MONDO:0016575, HP:0012265.

Allele frequency attached by ClinVar (database versions not stated): gnomAD exomes below 0.00001; TOPMed 0.00001.
gnomAD v4.1: 2 of 1,607,020 alleles (0.00012%); highest among the groups gnomAD compares: Non-Finnish European, 0.000085%; no homozygotes.

Submission:

Labcorp Genetics (formerly Invitae), Labcorp
Classification: Likely pathogenic for Primary ciliary dyskinesia. Last evaluated: 2023-07-29. Review status: criteria provided, single submitter. Criteria: Invitae Variant Classification Sherloc (09022015). Collection method: clinical testing. Allele origin: germline.
Comment: In summary, the currently available evidence indicates that the variant is pathogenic, but additional data are needed to prove that conclusively. Therefore, this variant has been classified as Likely Pathogenic. Algorithms developed to predict the effect of sequence changes on RNA splicing suggest that this variant may disrupt the consensus splice site. This variant has not been reported in the literature in individuals affected with DNAH11-related conditions. This variant is present in population databases (no rsID available, gnomAD 0.002%). This sequence change affects an acceptor splice site in intron 35 of the DNAH11 gene. It is expected to disrupt RNA splicing. Variants that disrupt the donor or acceptor splice site typically lead to a loss of protein function (PMID: 16199547), and loss-of-function variants in DNAH11 are known to be pathogenic (PMID: 18022865, 20513915, 22184204).

Literature cited by the submitters: PubMed 16199547; PubMed 18022865; PubMed 20513915; PubMed 22184204.

NM_001277115.2(DNAH11):c.6042-1G>T

Gene: DNAH11 (dynein axonemal heavy chain 11; plus strand). Cytogenetic location: 7p15.3.
Variant type: single nucleotide variant.
Coding change: c.6042-1G>T on transcript NM_001277115.2 (MANE Select); the canonical splice acceptor site of the intron before coding-DNA position 6042, G replaced by T.
Molecular consequence: splice acceptor variant.
Genome position (GRCh38, 1-based): chr7:21,698,074, G>T. VCF-style: chr7-21698074-G-T. GRCh37 (hg19) VCF-style: chr7-21737692-G-T.
Identifiers: ClinVar variation 2718147 (VCV002718147.3), dbSNP rs1364430470, ClinGen allele CA366934670.
Genomic context (GRCh38, chr7:21,698,074, plus strand): 5'-CAGCAATTTGTACTTATCACCTTGTCACATTTTAAAACTAAAATTCTTATTTACTTTTTA[G>T]ACCCTGTGCCATGGTGGCCCCTGACATTGAGCTAATCTGTGAAATCTTGTTAGTTGCTGA-3'